The following is an entry in ClinVar:

ClinVar aggregate classification (germline): Likely benign. Review status: criteria provided, multiple submitters, no conflicts (2 of 4 stars). 2 submissions from 2 submitters: Likely benign (2). Last evaluated 2025-12-03.

Conditions:
Osteogenesis imperfecta type I (OI1). Also called: OI, TYPE I; OSTEOGENESIS IMPERFECTA TARDA; OSTEOGENESIS IMPERFECTA WITH BLUE SCLERAE; Classic Non-deforming Osteogenesis Imperfecta with Blue Sclerae; Osteogenesis imperfecta type 1; Lobstein's Disease. Identifiers: Orphanet 216796, Orphanet 666, MedGen C0023931, MONDO:0008146, OMIM 166200. Disease mechanism: loss of function.
Ehlers-Danlos syndrome, classic type, 1 (EDSCL1). Also called: EHLERS-DANLOS SYNDROME, GRAVIS TYPE; EHLERS-DANLOS SYNDROME, SEVERE CLASSIC TYPE; Ehlers-Danlos syndrome, type 1; Ehlers-Danlos Syndrome, Classic Type, COL5A1-Related; EDS I. Identifiers: MedGen C0268335, MONDO:0019567, OMIM 130000.

Allele frequency attached by ClinVar (database versions not stated): ExAC 0.00001; gnomAD 0.00001 and 0.00002; gnomAD exomes 0.00002; TOPMed 0.00002.
gnomAD v4.1: 39 of 1,611,316 alleles (0.0024%); highest among the groups gnomAD compares: Admixed American, 0.0033%; no homozygotes.

Submissions (2):

Labcorp Genetics (formerly Invitae), Labcorp
Classification: Likely benign for Osteogenesis imperfecta type I; Ehlers-Danlos syndrome, classic type, 1. Last evaluated: 2025-12-03. Review status: criteria provided, single submitter. Criteria: Invitae Variant Classification Sherloc (09022015). Collection method: clinical testing. Allele origin: germline.

Mayo Clinic Laboratories, Mayo Clinic
Classification: Likely benign. Last evaluated: 2025-10-09. Review status: criteria provided, single submitter. Criteria: ACMG Guidelines, 2015. Collection method: clinical testing. Allele origin: germline. Observed: 1 variant allele.
Comment: BP4, BP7

NM_000089.4(COL1A2):c.2673+8C>T

Gene: COL1A2 (collagen type I alpha 2 chain; plus strand). Cytogenetic location: 7q21.3.
Variant type: single nucleotide variant.
Coding change: c.2673+8C>T on transcript NM_000089.4 (MANE Select); 8 bases into the intron after coding-DNA position 2673, C replaced by T.
Molecular consequence: intron variant.
Genome position (GRCh38, 1-based): chr7:94,424,451, C>T. VCF-style: chr7-94424451-C-T. GRCh37 (hg19) VCF-style: chr7-94053763-C-T.
Other names: p.?.
Identifiers: ClinVar variation 1150137 (VCV001150137.11), dbSNP rs760346992, ClinGen allele CA4347522.